The following is an entry in ClinVar:

NM_000642.3(AGL):c.2498A>C (p.Gln833Pro)

Gene: AGL (amylo-alpha-1,6-glucosidase and 4-alpha-glucanotransferase; plus strand). Cytogenetic location: 1p21.2.
Variant type: single nucleotide variant.
Coding change: c.2498A>C on transcript NM_000642.3 (MANE Select); coding-DNA position 2498, A replaced by C.
Protein change: p.Gln833Pro; replaces glutamine 833 with proline.
Molecular consequence: missense variant.
Genome position (GRCh38, 1-based): chr1:99,884,403, A>C. VCF-style: chr1-99884403-A-C. GRCh37 (hg19) VCF-style: chr1-100349959-A-C.
Other names: c.2498A>C, p.Gln833Pro (NM_000028.3, NM_000643.3, NM_000644.3 and 2 more transcripts); c.2450A>C, p.Gln817Pro (NM_000646.3); c.2297A>C, p.Gln766Pro (NM_001425327.1); c.2294A>C, p.Gln765Pro (NM_001425328.1, NM_001425329.1); c.2120A>C, p.Gln707Pro (NM_001425332.1); short protein forms Q707P, Q833P, Q766P, Q765P, Q817P.
Identifiers: ClinVar variation 2903851 (VCV002903851.3), dbSNP rs1557767066, ClinGen allele CA341321257.

ClinVar aggregate classification (germline): Uncertain significance (1 of 4 stars; one submission).

Conditions:
Glycogen storage disease type III (GSD3). Also called: Cori disease; FORBES DISEASE. Identifiers: Orphanet 366, MedGen C0017922, MONDO:0009291, OMIM 232400.

Submission:

Labcorp Genetics (formerly Invitae), Labcorp
Classification: Uncertain significance for Glycogen storage disease type III. Last evaluated: 2022-11-23. Review status: criteria provided, single submitter. Criteria: Invitae Variant Classification Sherloc (09022015). Collection method: clinical testing. Allele origin: germline.
Comment: In summary, the available evidence is currently insufficient to determine the role of this variant in disease. Therefore, it has been classified as a Variant of Uncertain Significance. Advanced modeling of protein sequence and biophysical properties (such as structural, functional, and spatial information, amino acid conservation, physicochemical variation, residue mobility, and thermodynamic stability) has been performed at Invitae for this missense variant, however the output from this modeling did not meet the statistical confidence thresholds required to predict the impact of this variant on AGL protein function. This variant has not been reported in the literature in individuals affected with AGL-related conditions. This variant is not present in population databases (gnomAD no frequency). This sequence change replaces glutamine, which is neutral and polar, with proline, which is neutral and non-polar, at codon 833 of the AGL protein (p.Gln833Pro).